The following is an entry in ClinVar:

ClinVar aggregate classification (germline): Uncertain significance. Review status: criteria provided, multiple submitters, no conflicts (2 of 4 stars). 2 submissions from 2 submitters: Uncertain significance (2). Last evaluated 2025-11-24.

Conditions:
Hereditary cancer-predisposing syndrome. Also called: Tumor predisposition; Neoplastic Syndromes, Hereditary; Hereditary Cancer Syndrome; Hereditary neoplastic syndrome. Identifiers: Orphanet 140162, MedGen C0027672, MeSH D009386, MONDO:0015356.
Renal cell carcinoma. Identifiers: Orphanet 217071, MedGen C0007134, MeSH D002292, MONDO:0005086, HP:0005584.

Allele frequency attached by ClinVar (database versions not stated): gnomAD exomes below 0.00001.
gnomAD v4.1: 8 of 1,614,084 alleles (0.0005%); highest among the groups gnomAD compares: Non-Finnish European, 0.00068%; no homozygotes.

Submissions (2):

Labcorp Genetics (formerly Invitae), Labcorp
Classification: Uncertain significance for Renal cell carcinoma. Last evaluated: 2025-11-24. Review status: criteria provided, single submitter. Criteria: Invitae Variant Classification Sherloc (09022015). Collection method: clinical testing. Allele origin: germline.
Comment: This sequence change replaces isoleucine, which is neutral and non-polar, with asparagine, which is neutral and polar, at codon 852 of the MET protein (p.Ile852Asn). This variant is present in population databases (no rsID available, gnomAD 0.0009%). This variant has not been reported in the literature in individuals affected with MET-related conditions. ClinVar contains an entry for this variant (Variation ID: 1380423). An algorithm developed to predict the effect of missense changes on protein structure and function (PolyPhen-2) suggests that this variant is likely to be tolerated. In summary, the available evidence is currently insufficient to determine the role of this variant in disease. Therefore, it has been classified as a Variant of Uncertain Significance.

Ambry Genetics
Classification: Uncertain significance for Hereditary cancer-predisposing syndrome. Last evaluated: 2025-08-23. Review status: criteria provided, single submitter. Criteria: Ambry Variant Classification Scheme 2023. Collection method: clinical testing. Allele origin: germline.
Comment: The p.I852N variant (also known as c.2555T>A), located in coding exon 10 of the MET gene, results from a T to A substitution at nucleotide position 2555. The isoleucine at codon 852 is replaced by asparagine, an amino acid with dissimilar properties. This amino acid position is conserved. In addition, this alteration is predicted to be tolerated by in silico analysis. Since supporting evidence is limited at this time, the clinical significance of this alteration remains unclear.

NM_000245.4(MET):c.2501T>A (p.Ile834Asn)

Gene: MET (MET proto-oncogene, receptor tyrosine kinase; plus strand). Cytogenetic location: 7q31.2.
Variant type: single nucleotide variant.
Coding change: c.2501T>A on transcript NM_000245.4 (MANE Select); coding-DNA position 2501, T replaced by A.
Protein change: p.Ile834Asn; replaces isoleucine 834 with asparagine.
Molecular consequence: missense variant.
Genome position (GRCh38, 1-based): chr7:116,763,186, T>A. VCF-style: chr7-116763186-T-A. GRCh37 (hg19) VCF-style: chr7-116403240-T-A.
Other names: c.2555T>A, p.Ile852Asn (NM_001127500.3); c.2501T>A, p.Ile834Asn (NM_001324401.3); c.1211T>A, p.Ile404Asn (NM_001324402.2); short protein forms I404N, I852N, I834N.
Identifiers: ClinVar variation 1380423 (VCV001380423.11), dbSNP rs1215872095, ClinGen allele CA368983439.